The following is an entry in ClinVar:

NM_014939.5(TRAPPC8):c.1491-7dup

Gene: TRAPPC8 (trafficking protein particle complex subunit 8; minus strand). Cytogenetic location: 18q12.1.
Variant type: Duplication.
Coding change: c.1491-7dup on transcript NM_014939.5 (MANE Select); 7 bases into the intron before coding-DNA position 1491, one base duplicated (T; older notation c.1491-7dupT).
Molecular consequence: intron variant.
Genome position (GRCh38, 1-based): chr18:31,897,898, A duplicated on the plus strand (T on the coding strand, the reverse complement: TRAPPC8 is on the minus strand); the first of 6 consecutive A bases (chr18:31,897,898-31,897,903); duplicating any one gives the same sequence. VCF-style (leftmost placement, unchanged base first): chr18-31897897-G-GA. GRCh37 (hg19) VCF-style: chr18-29477860-G-GA.
Identifiers: ClinVar variation 3234127 (VCV003234127.20), dbSNP rs767803589, ClinGen allele CA8929922.

ClinVar aggregate classification (germline): Likely benign (1 of 4 stars; one submission).

Submission:

CeGaT Center for Human Genetics Tuebingen
Classification: Likely benign. Last evaluated: 2024-04-01. Review status: criteria provided, single submitter. Criteria: CeGaT Center For Human Genetics Tuebingen Variant Classification Criteria Version 2. Collection method: clinical testing. Allele origin: germline. Affected: yes. Observed: 1 variant allele.
Comment: TRAPPC8: BP4